The following is an entry in ClinVar:

NM_020041.3(SLC2A9):c.1599T>C (p.Asp533=)

Gene: SLC2A9 (solute carrier family 2 member 9; minus strand). Cytogenetic location: 4p16.1.
Variant type: single nucleotide variant.
Coding change: c.1599T>C on transcript NM_020041.3 (MANE Select); coding-DNA position 1599, T replaced by C.
Protein change: p.Asp533=; no amino-acid change (aspartic acid 533 retained).
Molecular consequence: synonymous variant.
Genome position (GRCh38, 1-based): chr4:9,826,421, A>G on the plus strand (T>C on the coding strand, the complement: SLC2A9 is on the minus strand). VCF-style: chr4-9826421-A-G. GRCh37 (hg19) VCF-style: chr4-9828045-A-G.
Other names: c.1512T>C, p.Asp504= (NM_001001290.2).
Identifiers: ClinVar variation 350194 (VCV000350194.13), dbSNP rs146590565, ClinGen allele CA2856811.

ClinVar aggregate classification (germline): Benign/Likely benign. Review status: criteria provided, multiple submitters, no conflicts (2 of 4 stars). 3 submissions from 3 submitters: Benign (2); Likely benign (1). Last evaluated 2026-09-02.

Conditions:
Hypouricemia, renal, 2. Also called: HYPOURICEMIA, RENAL, 2, AUTOSOMAL DOMINANT; HYPOURICEMIA, RENAL, 2, AUTOSOMAL RECESSIVE. Identifiers: MedGen C2677549, MONDO:0012793, OMIM 612076.
SLC2A9-related disorder. Also called: SLC2A9-related condition.

Allele frequency attached by ClinVar (database versions not stated): gnomAD exomes 0.00025; ExAC 0.00031; 1000 Genomes Project 0.00080; gnomAD 0.00080; 1000 Genomes Project 30x 0.00109; TOPMed 0.00116; ESP Exome Variant Server 0.00138.
gnomAD v4.1: 335 of 1,614,084 alleles (0.021%); highest among the groups gnomAD compares: African/African-American, 0.37%; no homozygotes.

Submissions (3):

PreventionGenetics, part of Exact Sciences
Classification: Likely benign for SLC2A9-related condition. Last evaluated: 2026-09-02. Review status: criteria provided, single submitter. Criteria: ACMG Guidelines, 2015. Collection method: clinical testing. Allele origin: germline.
Comment: This variant is classified as likely benign based on ACMG/AMP sequence variant interpretation guidelines (Richards et al. 2015 PMID: 25741868, with internal and published modifications).

Labcorp Genetics (formerly Invitae), Labcorp
Classification: Benign. Last evaluated: 2025-12-06. Review status: criteria provided, single submitter. Criteria: Invitae Variant Classification Sherloc (09022015). Collection method: clinical testing. Allele origin: germline.

Illumina Laboratory Services, Illumina
Classification: Benign for Hypouricemia, renal, 2. Last evaluated: 2018-01-13. Review status: criteria provided, single submitter. Criteria: ICSL Variant Classification Criteria 13 December 2019. Collection method: clinical testing. Allele origin: germline.
Comment: This variant was observed in the ICSL laboratory as part of a predisposition screen in an ostensibly healthy population. It had not been previously curated by ICSL or reported in the Human Gene Mutation Database (HGMD: prior to June 1st, 2018), and was therefore a candidate for classification through an automated scoring system. Utilizing variant allele frequency, disease prevalence and penetrance estimates, and inheritance mode, an automated score was calculated to assess if this variant is too frequent to cause the disease. Based on the score and internal cut-off values, a variant classified as benign is not then subjected to further curation. The score for this variant resulted in a classification of benign for this disease.